The following is an entry in ClinVar:

NM_004329.3(BMPR1A):c.1439G>T (p.Arg480Leu)

Gene: BMPR1A (bone morphogenetic protein receptor type 1A; plus strand). Cytogenetic location: 10q23.2.
Variant type: single nucleotide variant.
Coding change: c.1439G>T on transcript NM_004329.3 (MANE Select); coding-DNA position 1439, G replaced by T.
Protein change: p.Arg480Leu; replaces arginine 480 with leucine.
Molecular consequence: missense variant.
Genome position (GRCh38, 1-based): chr10:86,923,472, G>T. VCF-style: chr10-86923472-G-T. GRCh37 (hg19) VCF-style: chr10-88683229-G-T.
Other names: short protein forms R480L.
Identifiers: ClinVar variation 234070 (VCV000234070.13), dbSNP rs535109719, ClinGen allele CA10578899.

ClinVar aggregate classification (germline): Uncertain significance. Review status: criteria provided, multiple submitters, no conflicts (2 of 4 stars). 2 submissions from 2 submitters: Uncertain significance (2). Last evaluated 2026-01-05.

Conditions:
Hereditary cancer-predisposing syndrome. Also called: Tumor predisposition; Hereditary neoplastic syndrome; Hereditary Cancer Syndrome; Neoplastic Syndromes, Hereditary. Identifiers: Orphanet 140162, MedGen C0027672, MeSH D009386, MONDO:0015356.
Juvenile polyposis syndrome (JPS). Identifiers: Orphanet 2929, MedGen C0345893, MONDO:0017380, OMIM 174900.

Submissions (2):

Ambry Genetics
Classification: Uncertain significance for Hereditary cancer-predisposing syndrome. Last evaluated: 2026-01-05. Review status: criteria provided, single submitter. Criteria: Ambry Variant Classification Scheme 2023. Collection method: clinical testing. Allele origin: germline.
Comment: The p.R480L variant (also known as c.1439G>T), located in coding exon 10 of the BMPR1A gene, results from a G to T substitution at nucleotide position 1439. The arginine at codon 480 is replaced by leucine, an amino acid with dissimilar properties. Other variant(s) at the same codon, p.R480W (c.1438C>T), have been identified in individual(s) with features consistent with juvenile polyposis syndrome (JPS) (van Hattem W et al. Gut. 2008 May; 57(5):623-7; Ambry internal data). This amino acid position is highly conserved in available vertebrate species. In addition, the in silico prediction for this alteration is inconclusive. Based on the available evidence, the clinical significance of this variant remains unclear.

Labcorp Genetics (formerly Invitae), Labcorp
Classification: Uncertain significance for Juvenile polyposis syndrome. Last evaluated: 2018-02-01. Review status: criteria provided, single submitter. Criteria: Invitae Variant Classification Sherloc (09022015). Collection method: clinical testing. Allele origin: germline.
Comment: This variant has been reported in an individual underwent Lynch syndrome testing (PMID: 25980754). ClinVar contains an entry for this variant (Variation ID: 234070). In summary, the available evidence is currently insufficient to determine the role of this variant in disease. Therefore, it has been classified as a Variant of Uncertain Significance. Algorithms developed to predict the effect of missense changes on protein structure and function (SIFT, PolyPhen-2, Align-GVGD) all suggest that this variant is likely to be disruptive, but these predictions have not been confirmed by published functional studies and their clinical significance is uncertain. This variant is not present in population databases (ExAC no frequency). This sequence change replaces arginine with leucine at codon 480 of the BMPR1A protein (p.Arg480Leu). The arginine residue is highly conserved and there is a moderate physicochemical difference between arginine and leucine.

Literature cited by the submitters: PubMed 18178612 (cited by Ambry Genetics); PubMed 25980754 (cited by Ambry Genetics and Labcorp Genetics (formerly Invitae), Labcorp).